The following is an entry in ClinVar:

ClinVar aggregate classification (germline): Uncertain significance (1 of 4 stars; one submission).

Conditions:
Combined immunodeficiency due to ZAP70 deficiency (IMD48). Also called: Immunodeficiency 48; ZAP70 Deficiency. Identifiers: Orphanet 911, MedGen C2931299, MONDO:0010023, OMIM 269840.

Allele frequency attached by ClinVar (database versions not stated): gnomAD exomes below 0.00001; TOPMed 0.00001.
gnomAD v4.1: 5 of 1,614,108 alleles (0.00031%); highest among the groups gnomAD compares: Non-Finnish European, 0.00042%; no homozygotes.

Submission:

Labcorp Genetics (formerly Invitae), Labcorp
Classification: Uncertain significance for Combined immunodeficiency due to ZAP70 deficiency. Last evaluated: 2020-12-20. Review status: criteria provided, single submitter. Criteria: Invitae Variant Classification Sherloc (09022015). Collection method: clinical testing. Allele origin: germline.
Comment: This variant is not present in population databases (ExAC no frequency). This variant has not been reported in the literature in individuals with ZAP70-related conditions. Algorithms developed to predict the effect of missense changes on protein structure and function are either unavailable or do not agree on the potential impact of this missense change (SIFT: "Not Available"; PolyPhen-2: "Benign"; Align-GVGD: "Not Available"). In summary, the available evidence is currently insufficient to determine the role of this variant in disease. Therefore, it has been classified as a Variant of Uncertain Significance. This sequence change replaces valine with isoleucine at codon 404 of the ZAP70 protein (p.Val404Ile). The valine residue is moderately conserved and there is a small physicochemical difference between valine and isoleucine.

NM_001079.4(ZAP70):c.1210G>A (p.Val404Ile)

Gene: ZAP70 (zeta chain of T cell receptor associated protein kinase 70; plus strand). Cytogenetic location: 2q11.2.
Variant type: single nucleotide variant.
Coding change: c.1210G>A on transcript NM_001079.4 (MANE Select); coding-DNA position 1210, G replaced by A.
Protein change: p.Val404Ile; replaces valine 404 with isoleucine.
Molecular consequence: missense variant.
Genome position (GRCh38, 1-based): chr2:97,735,377, G>A. VCF-style: chr2-97735377-G-A. GRCh37 (hg19) VCF-style: chr2-98351840-G-A.
Other names: c.1210G>A, p.Val404Ile (NM_001378594.1); c.289G>A, p.Val97Ile (NM_207519.2); short protein forms V97I, V404I.
Identifiers: ClinVar variation 1380211 (VCV001380211.6), dbSNP rs1677827255, ClinGen allele CA347801843.